The following is an entry in ClinVar:

ClinVar aggregate classification (germline): Uncertain significance (1 of 4 stars; one submission).

Conditions:
Developmental and epileptic encephalopathy, 53. Also called: Epileptic encephalopathy, early infantile, 53. Identifiers: MedGen C4479313, MONDO:0033362, OMIM 617389.
Early-onset Parkinson disease 20. Also called: PARKINSON DISEASE 20, AUTOSOMAL RECESSIVE EARLY-ONSET. Identifiers: Orphanet 391411, MedGen C3809824, MONDO:0014233, OMIM 615530.

Allele frequency attached by ClinVar (database versions not stated): gnomAD exomes below 0.00001.
gnomAD v4.1: 1 of 1,510,166 alleles (0.000066%); highest among the groups gnomAD compares: Non-Finnish European, 0.000089%; no homozygotes.

Submission:

Labcorp Genetics (formerly Invitae), Labcorp
Classification: Uncertain significance for Developmental and epileptic encephalopathy, 53; Early-onset Parkinson disease 20. Last evaluated: 2022-07-06. Review status: criteria provided, single submitter. Criteria: Invitae Variant Classification Sherloc (09022015). Collection method: clinical testing. Allele origin: germline.
Comment: This variant has not been reported in the literature in individuals affected with SYNJ1-related conditions. In summary, the available evidence is currently insufficient to determine the role of this variant in disease. Therefore, it has been classified as a Variant of Uncertain Significance. Algorithms developed to predict the effect of missense changes on protein structure and function are either unavailable or do not agree on the potential impact of this missense change (SIFT: "Tolerated"; PolyPhen-2: "Possibly Damaging"; Align-GVGD: "Class C0"). ClinVar contains an entry for this variant (Variation ID: 1368523). This variant is not present in population databases (gnomAD no frequency). This sequence change replaces lysine, which is basic and polar, with glutamic acid, which is acidic and polar, at codon 329 of the SYNJ1 protein (p.Lys329Glu).

NM_203446.3(SYNJ1):c.868A>G (p.Lys290Glu)

Gene: SYNJ1 (synaptojanin 1; minus strand). Cytogenetic location: 21q22.11.
Variant type: single nucleotide variant.
Coding change: c.868A>G on transcript NM_203446.3 (MANE Select); coding-DNA position 868, A replaced by G.
Protein change: p.Lys290Glu; replaces lysine 290 with glutamic acid.
Molecular consequence: missense variant.
Genome position (GRCh38, 1-based): chr21:32,687,058, T>C on the plus strand (A>G on the coding strand, the complement: SYNJ1 is on the minus strand). VCF-style: chr21-32687058-T-C. GRCh37 (hg19) VCF-style: chr21-34059368-T-C.
Other names: c.868A>G, p.Lys290Glu (NM_001160302.2, NM_001160306.2); c.985A>G, p.Lys329Glu (NM_003895.4); short protein forms K290E, K329E.
Identifiers: ClinVar variation 1368523 (VCV001368523.8), dbSNP rs2146099258, ClinGen allele CA410093768.